The following is an entry in ClinVar:

NC_000022.11:g.(?_23787160)_(23834190_?)del

Gene: SMARCB1 (SWI/SNF related BAF chromatin remodeling complex subunit B1; plus strand). Cytogenetic location: 22q11.23.
Variant type: Deletion.
Identifiers: ClinVar variation 664446 (VCV000664446.2).

ClinVar aggregate classification (germline): Pathogenic (1 of 4 stars; one submission).

Submission:

Labcorp Genetics (formerly Invitae), Labcorp
Classification: Pathogenic. Last evaluated: 2019-06-16. Review status: criteria provided, single submitter. Criteria: Invitae Variant Classification Sherloc (09022015). Collection method: clinical testing. Allele origin: germline.
Comment: A gross deletion of the genomic region encompassing the full coding sequence of the SMARCB1 gene has been identified. The boundaries of this event are unknown as the deletion extends beyond the assayed region for this gene and therefore may encompass additional genes. Deletions of the entire SMARCB1 gene, and the gross deletion of chr22q11 encompassing the SMARCB1 gene, have been reported in multiple individuals affected with rhabdoid tumor (PMID: 27092963, 24123847, 24933152, 23154773, 22814326, 21208904, 21412926). ClinVar contains an entry for this variant (Variation ID: 464313). Loss-of-function variants in SMARCB1 are known to be pathogenic (PMID: 10521299, 21208904). For these reasons, this variant has been classified as Pathogenic.

Literature cited by the submitters: PubMed 24933152; PubMed 21208904; PubMed 21412926; PubMed 27092963; PubMed 24123847; PubMed 23154773; PubMed 22814326.